The following is an entry in ClinVar:

ClinVar aggregate classification (germline): Uncertain significance. Review status: criteria provided, multiple submitters, no conflicts (2 of 4 stars). 2 submissions from 2 submitters: Uncertain significance (2). Last evaluated 2022-06-03.

Conditions:
Inborn genetic diseases. Identifiers: MedGen C0950123, MeSH D030342.

Submissions (2):

Ambry Genetics
Classification: Uncertain significance for Inborn genetic diseases. Last evaluated: 2022-06-03. Review status: criteria provided, single submitter. Criteria: Ambry Variant Classification Scheme 2023. Collection method: clinical testing. Allele origin: germline.

Labcorp Genetics (formerly Invitae), Labcorp
Classification: Uncertain significance. Last evaluated: 2022-05-25. Review status: criteria provided, single submitter. Criteria: Invitae Variant Classification Sherloc (09022015). Collection method: clinical testing. Allele origin: germline.
Comment: In summary, the available evidence is currently insufficient to determine the role of this variant in disease. Therefore, it has been classified as a Variant of Uncertain Significance. Algorithms developed to predict the effect of missense changes on protein structure and function (SIFT, PolyPhen-2, Align-GVGD) all suggest that this variant is likely to be tolerated. This variant has not been reported in the literature in individuals affected with SLC1A2-related conditions. This variant is not present in population databases (gnomAD no frequency). This sequence change replaces asparagine, which is neutral and polar, with aspartic acid, which is acidic and polar, at codon 8 of the SLC1A2 protein (p.Asn8Asp).

NM_004171.4(SLC1A2):c.22A>G (p.Asn8Asp)

Gene: SLC1A2 (solute carrier family 1 member 2; minus strand). Cytogenetic location: 11p13.
Variant type: single nucleotide variant.
Coding change: c.22A>G on transcript NM_004171.4 (MANE Select); coding-DNA position 22, A replaced by G.
Protein change: p.Asn8Asp; replaces asparagine 8 with aspartic acid.
Molecular consequence: missense variant. On other transcripts: 5 prime UTR variant (2).
Genome position (GRCh38, 1-based): chr11:35,317,512, T>C on the plus strand (A>G on the coding strand, the complement: SLC1A2 is on the minus strand). VCF-style: chr11-35317512-T-C. GRCh37 (hg19) VCF-style: chr11-35339059-T-C.
Other names: c.-6A>G (NM_001195728.3, NM_001252652.2); short protein forms N8D.
Identifiers: ClinVar variation 1978465 (VCV001978465.5), dbSNP rs2497944176, ClinGen allele CA380131667.